The following is an entry in ClinVar:

NM_000219.6(KCNE1):c.334_342dup (p.His112_Ala114dup)

Gene: KCNE1 (potassium voltage-gated channel subfamily E regulatory subunit 1; minus strand). Cytogenetic location: 21q22.12.
Variant type: Duplication.
Coding change: c.334_342dup on transcript NM_000219.6 (MANE Select); coding-DNA positions 334 to 342, 9 bases duplicated (CATCTGGCC; older notation c.334_342dupCATCTGGCC).
Protein change: p.His112_Ala114dup.
Molecular consequence: inframe insertion.
Genome position (GRCh38, 1-based): chr21:34,449,293-34,449,301, GGCCAGATG duplicated on the plus strand (CATCTGGCC on the coding strand, the reverse complement: KCNE1 is on the minus strand); duplicating any 9 consecutive bases within chr21:34,449,293-34,449,302 gives the same sequence; the c. name uses the placement nearest the transcript's 3' end. VCF-style (leftmost placement, unchanged base first): chr21-34449292-T-TGGCCAGATG. GRCh37 (hg19) VCF-style: chr21-35821590-T-TGGCCAGATG.
Other names: c.334_342dup, p.His112_Ala114dup (NM_001127668.4, NM_001127669.4, NM_001127670.4 and 4 more transcripts); c.334_342dupCATCTGGCC (NM_000219.6, NM_000219.3, NM_000219.5).
Identifiers: ClinVar variation 583062 (VCV000583062.11), dbSNP rs1374867074, ClinGen allele CA748860029.

ClinVar aggregate classification (germline): Uncertain significance. Review status: criteria provided, multiple submitters, no conflicts (2 of 4 stars). 3 submissions from 3 submitters: Uncertain significance (3). Last evaluated 2025-06-19.

Conditions:
Long QT syndrome (LQTS). Identifiers: MedGen C0023976, MeSH D008133, MONDO:0002442. Disease mechanism: loss of function. Inheritance: Various modes of inheritance.
Cardiovascular phenotype. Identifiers: MedGen CN230736.
Jervell and Lange-Nielsen syndrome 2 (JLNS2). Identifiers: Orphanet 768, Orphanet 90647, MedGen C2676723, MONDO:0012871, OMIM 612347.

Submissions (3):

Ambry Genetics
Classification: Uncertain significance for Cardiovascular phenotype. Last evaluated: 2025-06-19. Review status: criteria provided, single submitter. Criteria: Ambry Variant Classification Scheme 2023. Collection method: clinical testing. Allele origin: germline.
Comment: The c.334_342dupCATCTGGCC variant (also known as p.H112_A114dup), located in coding exon 1 of the KCNE1 gene, results from an in-frame duplication of CATCTGGCC at nucleotide positions 334 to 342. This results in the duplication of 3 extra residues (HLA) between codons 112 and 114. This amino acid region is not well conserved in available vertebrate species. In addition, the in silico prediction for this variant is inconclusive (Choi Y et al. PLoS ONE. 2012; 7(10):e46688). Based on the available evidence, the clinical significance of this variant remains unclear.

Labcorp Genetics (formerly Invitae), Labcorp
Classification: Uncertain significance for Long QT syndrome. Last evaluated: 2022-11-15. Review status: criteria provided, single submitter. Criteria: Invitae Variant Classification Sherloc (09022015). Collection method: clinical testing. Allele origin: germline.
Comment: In summary, the available evidence is currently insufficient to determine the role of this variant in disease. Therefore, it has been classified as a Variant of Uncertain Significance. Experimental studies and prediction algorithms are not available or were not evaluated, and the functional significance of this variant is currently unknown. ClinVar contains an entry for this variant (Variation ID: 583062). This variant has not been reported in the literature in individuals affected with KCNE1-related conditions. This variant is present in population databases (no rsID available, gnomAD 0.0009%). This variant, c.334_342dup, results in the insertion of 3 amino acid(s) of the KCNE1 protein (p.His112_Ala114dup), but otherwise preserves the integrity of the reading frame.

Genetics and Molecular Pathology, SA Pathology
Classification: Uncertain significance for Jervell and Lange-Nielsen syndrome 2. Last evaluated: 2022-07-19. Review status: criteria provided, single submitter. Criteria: ACMG Guidelines, 2015. Collection method: clinical testing. Allele origin: germline. Affected: yes.